The following is an entry in ClinVar:

NM_021098.3(CACNA1H):c.3698A>T (p.Asp1233Val)

Gene: CACNA1H (calcium voltage-gated channel subunit alpha1 H; plus strand). Cytogenetic location: 16p13.3.
Variant type: single nucleotide variant.
Coding change: c.3698A>T on transcript NM_021098.3 (MANE Select); coding-DNA position 3698, A replaced by T.
Protein change: p.Asp1233Val; replaces aspartic acid 1233 with valine.
Molecular consequence: missense variant.
Genome position (GRCh38, 1-based): chr16:1,209,366, A>T. VCF-style: chr16-1209366-A-T. GRCh37 (hg19) VCF-style: chr16-1259366-A-T.
Other names: c.3698A>T, p.Asp1233Val (NM_001005407.2); short protein forms D1233V.
Identifiers: ClinVar variation 446951 (VCV000446951.5), dbSNP rs774604155, ClinGen allele CA7800858.

ClinVar aggregate classification (germline): Conflicting classifications of pathogenicity. Review status: criteria provided, conflicting classifications (1 of 4 stars). 3 submissions from 3 submitters: Uncertain significance (2); Benign (1). Last evaluated 2023-12-08.

Conditions:
Idiopathic generalized epilepsy. Also called: Generalised epilepsy; EIG. Identifiers: MedGen C0270850, MONDO:0005579, OMIM 600669.
Hyperaldosteronism, familial, type IV (HALD4). Also called: FH IV; ALDOSTERONISM, PRIMARY, AND HYPERTENSION. Identifiers: Orphanet 642671, MedGen C4310756, MONDO:0014875, OMIM 617027.

Allele frequency attached by ClinVar (database versions not stated): gnomAD exomes below 0.00001 and 0.00001; ExAC 0.00001; gnomAD 0.00001; TOPMed 0.00002.
gnomAD v4.1: 3 of 1,597,788 alleles (0.00019%); highest among the groups gnomAD compares: Admixed American, 0.0017%; no homozygotes.

Submissions (3):

GeneDx
Classification: Uncertain significance. Last evaluated: 2023-12-08. Review status: criteria provided, single submitter. Criteria: GeneDx Variant Classification Process June 2021. Collection method: clinical testing. Allele origin: germline. Affected: yes.
Comment: In silico analysis supports that this missense variant has a deleterious effect on protein structure/function; Has not been previously published as pathogenic or benign to our knowledge

Labcorp Genetics (formerly Invitae), Labcorp
Classification: Benign for Idiopathic generalized epilepsy; Hyperaldosteronism, familial, type IV. Last evaluated: 2023-04-17. Review status: criteria provided, single submitter. Criteria: Invitae Variant Classification Sherloc (09022015). Collection method: clinical testing. Allele origin: germline.

Athena Diagnostics
Classification: Uncertain significance. Last evaluated: 2017-06-29. Review status: criteria provided, single submitter. Criteria: Athena Diagnostics Criteria. Collection method: clinical testing. Allele origin: germline.